The following is an entry in ClinVar:

ClinVar aggregate classification (germline): Likely benign. Review status: criteria provided, multiple submitters, no conflicts (2 of 4 stars). 3 submissions from 3 submitters: Likely benign (3). Last evaluated 2025-10-01.

Conditions:
Malignant hyperthermia, susceptibility to, 1 (MHS1). Also called: RYR1-Related Malignant Hyperthermia Susceptibility; Anesthesia related hyperthermia; Malignant hyperpyrexia; Fulminating hyperpyrexia; Pharmacogenic myopathy; Malignant hyperthermia suceptibility 1. Identifiers: Orphanet 423, MedGen C2930980, MONDO:0007783, OMIM 145600.
RYR1-related disorder. Also called: RYR1-related condition; RYR1-related disorders. Identifiers: MedGen CN239331.

Allele frequency attached by ClinVar (database versions not stated): ExAC 0.00001; gnomAD exomes 0.00001.
gnomAD v4.1: 4 of 1,614,056 alleles (0.00025%); highest among the groups gnomAD compares: Admixed American, 0.0033%; no homozygotes.

Submissions (3):

CeGaT Center for Human Genetics Tuebingen
Classification: Likely benign. Last evaluated: 2025-10-01. Review status: criteria provided, single submitter. Criteria: CeGaT Center For Human Genetics Tuebingen Variant Classification Criteria Version 2. Collection method: clinical testing. Allele origin: germline. Affected: yes. Observed: 1 variant allele.
Comment: RYR1: BP4, BP7

All of Us Research Program, National Institutes of Health
Classification: Likely benign for Malignant hyperthermia, susceptibility to, 1. Last evaluated: 2023-04-28. Review status: criteria provided, single submitter. Criteria: ACMG Guidelines, 2015. Collection method: clinical testing. Allele origin: germline. Inheritance: Autosomal dominant inheritance. Observed: 1 variant allele, 1 heterozygote.
Comment: This study involves interpretation of variants in research participants for the purpose of population health screening. Participant phenotype was not available at the time of variant classification. Additional details can be found in publication PMID: 35346344, PMCID: PMC8962531

Labcorp Genetics (formerly Invitae), Labcorp
Classification: Likely benign for RYR1-related disorder. Last evaluated: 2019-05-27. Review status: criteria provided, single submitter. Criteria: Invitae Variant Classification Sherloc (09022015). Collection method: clinical testing. Allele origin: germline.

NM_000540.3(RYR1):c.462G>A (p.Lys154=)

Gene: RYR1 (ryanodine receptor 1; plus strand). Cytogenetic location: 19q13.2.
Variant type: single nucleotide variant.
Coding change: c.462G>A on transcript NM_000540.3 (MANE Select); coding-DNA position 462, G replaced by A.
Protein change: p.Lys154=; no amino-acid change (lysine 154 retained).
Molecular consequence: synonymous variant.
Genome position (GRCh38, 1-based): chr19:38,444,186, G>A. VCF-style: chr19-38444186-G-A. GRCh37 (hg19) VCF-style: chr19-38934826-G-A.
Other names: c.462G>A, p.Lys154= (NM_001042723.2).
Identifiers: ClinVar variation 1098999 (VCV001098999.11), dbSNP rs771222797, ClinGen allele CA066311.
Genomic context (GRCh38, chr19:38,444,186, plus strand): 5'-CCCCATTCCATCCCCACCCATAGGAGAGGCTTGCTGGTGGACCATGCACCCAGCCTCCAA[G>A]CAGAGGTCTGAAGGAGAAAAGGTCCGCGTTGGGGATGACATCATCCTTGTCAGTGTCTCC-3'
Protein context (NP_000531.2, residues 144-164): ACWWTMHPAS[Lys154=]QRSEGEKVRV